The following is an entry in ClinVar:

ClinVar aggregate classification (germline): Uncertain significance (1 of 4 stars; one submission).

Conditions:
Hermansky-Pudlak syndrome 2 (HPS2). Also called: Platelet defects and oculocutaneous albinism. Identifiers: Orphanet 183678, Orphanet 79430, MedGen C1842362, MONDO:0011997, OMIM 608233.

Allele frequency attached by ClinVar (database versions not stated): gnomAD exomes 0.00002.
gnomAD v4.1: 23 of 1,613,260 alleles (0.0014%); highest among the groups gnomAD compares: Non-Finnish European, 0.002%; no homozygotes.

Submission:

Labcorp Genetics (formerly Invitae), Labcorp
Classification: Uncertain significance for Hermansky-Pudlak syndrome 2. Last evaluated: 2022-07-23. Review status: criteria provided, single submitter. Criteria: Invitae Variant Classification Sherloc (09022015). Collection method: clinical testing. Allele origin: germline.
Comment: In summary, the available evidence is currently insufficient to determine the role of this variant in disease. Therefore, it has been classified as a Variant of Uncertain Significance. Algorithms developed to predict the effect of missense changes on protein structure and function (SIFT, PolyPhen-2, Align-GVGD) all suggest that this variant is likely to be tolerated. This variant has not been reported in the literature in individuals affected with AP3B1-related conditions. This variant is not present in population databases (gnomAD no frequency). This sequence change replaces threonine, which is neutral and polar, with isoleucine, which is neutral and non-polar, at codon 574 of the AP3B1 protein (p.Thr574Ile).

NM_003664.5(AP3B1):c.1721C>T (p.Thr574Ile)

Gene: AP3B1 (adaptor related protein complex 3 subunit beta 1; minus strand). Cytogenetic location: 5q14.1.
Variant type: single nucleotide variant.
Coding change: c.1721C>T on transcript NM_003664.5 (MANE Select); coding-DNA position 1721, C replaced by T.
Protein change: p.Thr574Ile; replaces threonine 574 with isoleucine.
Molecular consequence: missense variant.
Genome position (GRCh38, 1-based): chr5:78,129,237, G>A on the plus strand (C>T on the coding strand, the complement: AP3B1 is on the minus strand). VCF-style: chr5-78129237-G-A. GRCh37 (hg19) VCF-style: chr5-77425061-G-A.
Other names: c.1574C>T, p.Thr525Ile (NM_001271769.2); c.1721C>T, p.Thr574Ile (NM_001410752.1); short protein forms T574I, T525I.
Identifiers: ClinVar variation 1908509 (VCV001908509.5), dbSNP rs2531000784, ClinGen allele CA360188005.